The following is an entry in ClinVar:

ClinVar aggregate classification (germline): Uncertain significance. Review status: criteria provided, multiple submitters, no conflicts (2 of 4 stars). 2 submissions from 2 submitters: Uncertain significance (2). Last evaluated 2025-08-23.

Conditions:
Inborn genetic diseases. Identifiers: MedGen C0950123, MeSH D030342.

Allele frequency attached by ClinVar (database versions not stated): gnomAD exomes below 0.00001 and 0.00001; TOPMed below 0.00001.
gnomAD v4.1: 18 of 1,611,096 alleles (0.0011%); highest among the groups gnomAD compares: Non-Finnish European, 0.0014%; no homozygotes.

Submissions (2):

Ambry Genetics
Classification: Uncertain significance for Inborn genetic diseases. Last evaluated: 2025-08-23. Review status: criteria provided, single submitter. Criteria: Ambry Variant Classification Scheme 2023. Collection method: clinical testing. Allele origin: germline.

Labcorp Genetics (formerly Invitae), Labcorp
Classification: Uncertain significance. Last evaluated: 2021-09-17. Review status: criteria provided, single submitter. Criteria: Invitae Variant Classification Sherloc (09022015). Collection method: clinical testing. Allele origin: germline.
Comment: This sequence change replaces proline with arginine at codon 81 of the PLAA protein (p.Pro81Arg). The proline residue is moderately conserved and there is a moderate physicochemical difference between proline and arginine. This variant is not present in population databases (ExAC no frequency). This variant has not been reported in the literature in individuals affected with PLAA-related conditions. Algorithms developed to predict the effect of missense changes on protein structure and function are either unavailable or do not agree on the potential impact of this missense change (SIFT: "Tolerated"; PolyPhen-2: "Probably Damaging"; Align-GVGD: "Class C0"). In summary, the available evidence is currently insufficient to determine the role of this variant in disease. Therefore, it has been classified as a Variant of Uncertain Significance.

NM_001031689.3(PLAA):c.242C>G (p.Pro81Arg)

Gene: PLAA (phospholipase A2 activating protein; minus strand). Cytogenetic location: 9p21.2.
Variant type: single nucleotide variant.
Coding change: c.242C>G on transcript NM_001031689.3 (MANE Select); coding-DNA position 242, C replaced by G.
Protein change: p.Pro81Arg; replaces proline 81 with arginine.
Molecular consequence: missense variant.
Genome position (GRCh38, 1-based): chr9:26,935,114, G>C on the plus strand (C>G on the coding strand, the complement: PLAA is on the minus strand). VCF-style: chr9-26935114-G-C. GRCh37 (hg19) VCF-style: chr9-26935112-G-C.
Other names: c.242C>G, p.Pro81Arg (NM_001321546.2); c.242C>G (NM_001031689.2); short protein forms P81R.
Identifiers: ClinVar variation 1442198 (VCV001442198.4), dbSNP rs899332673, ClinGen allele CA191281526.